The following is an entry in ClinVar:

ClinVar aggregate classification (germline): Uncertain significance (1 of 4 stars; one submission).

Allele frequency attached by ClinVar (database versions not stated): ExAC 0.00002; gnomAD 0.00003; TOPMed 0.00003; ESP Exome Variant Server 0.00008.
gnomAD v4.1: 16 of 1,613,744 alleles (0.00099%); highest among the groups gnomAD compares: Admixed American, 0.0033%; no homozygotes.

Submission:

Mayo Clinic Laboratories, Mayo Clinic
Classification: Uncertain significance. Last evaluated: 2022-04-14. Review status: criteria provided, single submitter. Criteria: ACMG Guidelines, 2015. Collection method: clinical testing. Allele origin: germline. Observed: 1 variant allele.
Comment: BP4, PM2

NM_015346.4(ZFYVE26):c.3781G>A (p.Ala1261Thr)

Gene: ZFYVE26 (zinc finger FYVE-type containing 26; minus strand). Cytogenetic location: 14q24.1.
Variant type: single nucleotide variant.
Coding change: c.3781G>A on transcript NM_015346.4 (MANE Select); coding-DNA position 3781, G replaced by A.
Protein change: p.Ala1261Thr; replaces alanine 1261 with threonine.
Molecular consequence: missense variant.
Genome position (GRCh38, 1-based): chr14:67,783,371, C>T on the plus strand (G>A on the coding strand, the complement: ZFYVE26 is on the minus strand). VCF-style: chr14-67783371-C-T. GRCh37 (hg19) VCF-style: chr14-68250088-C-T.
Other names: p.Ala1261Thr; short protein forms A1261T.
Identifiers: ClinVar variation 2683267 (VCV002683267.1), dbSNP rs142185927, ClinGen allele CA7239906.
Genomic context (GRCh38, chr14:67,783,371, plus strand): 5'-TCTCAGTTGTCCTCGGGGAGCTCGGTGTAGAAAGTGGGAGGTCATCCAGGCAGTGAGAGG[C>T]GTGTAGCTGGGCCAGAGTACCCAGACGAGTCAGGAGGGAGGAGGTCTGCTGGCTTTGCCG-3'
Protein context (NP_056161.2, residues 1251-1271): TRLGTLAQLH[Ala1261Thr]SHCLDDLPLS